The following is an entry in ClinVar:

NM_017612.5(ZCCHC8):c.35T>A (p.Leu12His)

Gene: ZCCHC8 (zinc finger CCHC-type containing 8; minus strand). Cytogenetic location: 12q24.31.
Variant type: single nucleotide variant.
Coding change: c.35T>A on transcript NM_017612.5 (MANE Select); coding-DNA position 35, T replaced by A.
Protein change: p.Leu12His; replaces leucine 12 with histidine.
Molecular consequence: missense variant. On other transcripts: 5 prime UTR variant (3).
Genome position (GRCh38, 1-based): chr12:122,500,806, A>T on the plus strand (T>A on the coding strand, the complement: ZCCHC8 is on the minus strand). VCF-style: chr12-122500806-A-T. GRCh37 (hg19) VCF-style: chr12-122985353-A-T.
Other names: c.35T>A, p.Leu12His (NM_001350935.2); c.-889T>A (NM_001350936.2); c.-510T>A (NM_001350937.2); c.-404T>A (NM_001350938.2); short protein forms L12H.
Identifiers: ClinVar variation 1439998 (VCV001439998.6), dbSNP rs1354953612, ClinGen allele CA482211009.

ClinVar aggregate classification (germline): Uncertain significance (1 of 4 stars; one submission).

Allele frequency attached by ClinVar (database versions not stated): gnomAD exomes below 0.00001 and 0.00001; TOPMed below 0.00001.
gnomAD v4.1: 2 of 1,580,314 alleles (0.00013%); highest among the groups gnomAD compares: Admixed American, 0.0037%; no homozygotes.

Submission:

Labcorp Genetics (formerly Invitae), Labcorp
Classification: Uncertain significance. Last evaluated: 2025-10-06. Review status: criteria provided, single submitter. Criteria: Invitae Variant Classification Sherloc (09022015). Collection method: clinical testing. Allele origin: germline.
Comment: This sequence change replaces leucine, which is neutral and non-polar, with histidine, which is basic and polar, at codon 12 of the ZCCHC8 protein (p.Leu12His). This variant is present in population databases (no rsID available, gnomAD 0.007%). This variant has not been reported in the literature in individuals affected with ZCCHC8-related conditions. ClinVar contains an entry for this variant (Variation ID: 1439998). An algorithm developed to predict the effect of missense changes on protein structure and function (PolyPhen-2) suggests that this variant is likely to be disruptive. In summary, the available evidence is currently insufficient to determine the role of this variant in disease. Therefore, it has been classified as a Variant of Uncertain Significance.